The following is an entry in ClinVar:

ClinVar aggregate classification (germline): Likely benign (1 of 4 stars; one submission).

Submission:

CeGaT Center for Human Genetics Tuebingen
Classification: Likely benign. Last evaluated: 2024-10-01. Review status: criteria provided, single submitter. Criteria: CeGaT Center For Human Genetics Tuebingen Variant Classification Criteria Version 2. Collection method: clinical testing. Allele origin: germline. Affected: yes. Observed: 1 variant allele.
Comment: TNRC6A: BS1

NM_014494.4(TNRC6A):c.358CAGCAGCCACAG[1] (p.120QQPQ[1])

Gene: TNRC6A (trinucleotide repeat containing adaptor 6A; plus strand). Cytogenetic location: 16p12.1.
Variant type: Microsatellite.
Coding change: c.358CAGCAGCCACAG[1] on transcript NM_014494.4 (MANE Select); one copy of the 12-base unit CAGCAGCCACAG starting at c.358; the reference has two copies in a row; one copy, 12 bases deleted.
Protein change: p.120QQPQ[1].
Molecular consequence: inframe deletion.
Genome position (GRCh38, 1-based): chr16:24,777,139-24,777,150, CAGCAGCCACAG deleted; deleting any 12 consecutive bases within chr16:24,777,124-24,777,150 gives the same sequence; the position shown is the placement nearest the transcript's 3' end. VCF-style (leftmost placement, unchanged base first): chr16-24777123-GCAGCAGCAGCCA-G. GRCh37 (hg19) VCF-style: chr16-24788444-GCAGCAGCAGCCA-G.
Other names: c.358CAGCAGCCACAG[1], p.120QQPQ[1] (NM_001330520.3); c.385CAGCAGCCACAG[1], p.129QQPQ[1] (NM_001351850.2).
Identifiers: ClinVar variation 3388604 (VCV003388604.14).
Genomic context (GRCh38, chr16:24,777,123, plus strand): 5'-GCAGCAACAGCAGCAGCCGCAGCAGCAGCAGCCACAGCAGCAGCCACAGCCGCAGCCGCA[GCAGCAGCAGCCA>G]CAGCAGCAGCCACAGGCCTTGCCTCGGTATCCTCGTGAAGTACCTCCACGATTTCGCCAC-3'